The following is an entry in ClinVar:

NM_006147.4(IRF6):c.29dup (p.Pro12fs)

Gene: IRF6 (interferon regulatory factor 6; minus strand). Cytogenetic location: 1q32.2.
Variant type: Duplication.
Coding change: c.29dup on transcript NM_006147.4 (MANE Select); coding-DNA position 29, one base duplicated (T; older notation c.29dupT).
Protein change: p.Pro12fs; shifts the reading frame from proline 12.
Molecular consequence: frameshift variant. On other transcripts: intron variant (1).
Genome position (GRCh38, 1-based): chr1:209,801,385, A duplicated on the plus strand (T on the coding strand, the reverse complement: IRF6 is on the minus strand). VCF-style (leftmost placement, unchanged base first): chr1-209801384-T-TA. GRCh37 (hg19) VCF-style: chr1-209974729-T-TA.
Other names: c.-112+4562dup (NM_001206696.2); short protein forms P12fs.
Identifiers: ClinVar variation 424267 (VCV000424267.2), dbSNP rs1553248638, ClinGen allele CA16617049.

ClinVar aggregate classification (germline): Pathogenic (1 of 4 stars; one submission).

Submission:

GeneDx
Classification: Pathogenic. Last evaluated: 2018-04-03. Review status: criteria provided, single submitter. Criteria: GeneDx Variant Classification (06012015). Collection method: clinical testing. Allele origin: germline. Affected: yes.
Comment: The c.29dupT pathogenic variant in the IRF6 gene causes a frameshift starting with codon Proline 12, changes this amino acid to an Alanine residue and creates a premature Stop codon at position 9 of the new reading frame, denoted p.Pro12AlafsX9. This pathogenic variant is predicted to cause loss of normal protein function either through protein truncation or nonsense-mediated mRNA decay. The variant is not observed in large population cohorts (Lek et al., 2016; 1000 Genomes Consortium et al., 2015; Exome Variant Server). Although this pathogenic variant has not been previously reported to our knowledge, we consider it to be pathogenic.